The following is an entry in ClinVar:

ClinVar aggregate classification (germline): Uncertain significance (1 of 4 stars; one submission).

Conditions:
Hereditary cancer-predisposing syndrome. Also called: Neoplastic Syndromes, Hereditary; Tumor predisposition; Hereditary neoplastic syndrome; Hereditary Cancer Syndrome. Identifiers: Orphanet 140162, MedGen C0027672, MeSH D009386, MONDO:0015356.

Submission:

Color Diagnostics, LLC DBA Color Health
Classification: Uncertain significance for Hereditary cancer-predisposing syndrome. Last evaluated: 2024-01-04. Review status: criteria provided, single submitter. Criteria: ACMG Guidelines, 2015. Collection method: clinical testing. Allele origin: germline.
Comment: This missense variant replaces tryptophan with arginine at codon 1221 of the ATM protein. Computational prediction suggests that this variant may have deleterious impact on protein structure and function (internally defined REVEL score threshold >= 0.7, PMID: 27666373). To our knowledge, functional studies have not been reported for this variant. This variant has not been reported in individuals affected with ATM-related disorders in the literature. This variant has not been identified in the general population by the Genome Aggregation Database (gnomAD). The available evidence is insufficient to determine the role of this variant in disease conclusively. Therefore, this variant is classified as a Variant of Uncertain Significance.

NM_000051.4(ATM):c.3661T>A (p.Trp1221Arg)

Gene: ATM (ATM serine/threonine kinase; plus strand). Cytogenetic location: 11q22.3.
Variant type: single nucleotide variant.
Coding change: c.3661T>A on transcript NM_000051.4 (MANE Select); coding-DNA position 3661, T replaced by A.
Protein change: p.Trp1221Arg; replaces tryptophan 1221 with arginine.
Molecular consequence: missense variant.
Genome position (GRCh38, 1-based): chr11:108,282,794, T>A. VCF-style: chr11-108282794-T-A. GRCh37 (hg19) VCF-style: chr11-108153521-T-A.
Other names: c.3661T>A, p.Trp1221Arg (NM_001351834.2); short protein forms W1221R.
Identifiers: ClinVar variation 629166 (VCV000629166.5), dbSNP rs1565444832, ClinGen allele CA382523068.